The following is an entry in ClinVar:

ClinVar aggregate classification (germline): Pathogenic/Likely pathogenic. Review status: criteria provided, multiple submitters, no conflicts (2 of 4 stars). 9 submissions from 9 submitters: Pathogenic (5); Likely pathogenic (3). 1 of the submissions does not count toward it. Last evaluated 2025-09-08.

Conditions:
CTC1-related disorder. Also called: CTC1-related condition.
Cerebroretinal microangiopathy with calcifications and cysts 1 (CRMCC1). Identifiers: Orphanet 313838, MedGen C4552029, MONDO:0024564, OMIM 612199.
Dyskeratosis congenita. Identifiers: Orphanet 1775, MedGen C0265965, MONDO:0015780.

Allele frequency attached by ClinVar (database versions not stated): gnomAD 0.00005 and 0.00006; gnomAD exomes 0.00006 and 0.00011; TOPMed 0.00006; ExAC 0.00008; 1000 Genomes Project 0.00040; 1000 Genomes Project 30x 0.00047.
gnomAD v4.1: 160 of 1,614,082 alleles (0.0099%); highest among the groups gnomAD compares: Non-Finnish European, 0.013%; no homozygotes.

Submissions (10):

Variantyx, Inc.
Classification: Likely pathogenic for Cerebroretinal microangiopathy with calcifications and cysts 1. Last evaluated: 2025-09-08. Review status: criteria provided, single submitter. Criteria: Variantyx Assertion Criteria 2022. Collection method: clinical testing. Allele origin: germline. Inheritance: Autosomal recessive inheritance. Affected: no.
Comment: This is a nonsynonymous variant in the CTC1 gene (OMIM: 613129). Pathogenic variants in this gene have been associated with autosomal recessive cerebroretinal microangiopathy with calcifications and cysts 1. This variant has been identified in the homozygous or compound heterozygous state in at least 4 individuals reported in the published literature (PMID: 22267198, 22899577) (PM3), and it has been observed to segregate with disease in at least 2 individuals from one family (PMID: 22899577) (PP1). Computational algorithms produce conflicting evidence regarding the predicted functional impact of this variant (REVEL score: 0.606), but functional studies have shown that this variant alters CTC1 protein function (PMID: 29481669, 24115768) (PS3). This variant has a 0.0127% maximum allele frequency in non-founder control populations (PM2). Based on the current evidence, this variant is classified as likely pathogenic for autosomal recessive cerebroretinal microangiopathy with calcifications and cysts 1.

Care4Rare-SOLVE, CHEO
Classification: Likely pathogenic for Cerebroretinal microangiopathy with calcifications and cysts 1. Last evaluated: 2025-09-03. Review status: criteria provided, single submitter. Criteria: ACMG Guidelines, 2015. Collection method: research. Allele origin: paternal. Inheritance: Autosomal recessive inheritance. Affected: yes.

Labcorp Genetics (formerly Invitae), Labcorp
Classification: Pathogenic for Dyskeratosis congenita. Last evaluated: 2025-08-11. Review status: criteria provided, single submitter. Criteria: Invitae Variant Classification Sherloc (09022015). Collection method: clinical testing. Allele origin: germline.
Comment: This sequence change replaces arginine, which is basic and polar, with tryptophan, which is neutral and slightly polar, at codon 987 of the CTC1 protein (p.Arg987Trp). This variant is present in population databases (rs202138550, gnomAD 0.009%). This missense change has been observed in individuals with Coats plus syndrome (PMID: 22267198, 22899577). ClinVar contains an entry for this variant (Variation ID: 30996). Invitae Evidence Modeling of protein sequence and biophysical properties (such as structural, functional, and spatial information, amino acid conservation, physicochemical variation, residue mobility, and thermodynamic stability) indicates that this missense variant is expected to disrupt CTC1 protein function with a positive predictive value of 80%. Experimental studies have shown that this missense change affects CTC1 function (PMID: 23869908, 24115768). Algorithms developed to predict the effect of sequence changes on RNA splicing suggest that this variant may disrupt the consensus splice site. For these reasons, this variant has been classified as Pathogenic.

3billion
Classification: Likely pathogenic for Cerebroretinal microangiopathy with calcifications and cysts 1. Last evaluated: 2025-07-24. Review status: criteria provided, single submitter. Criteria: ACMG Guidelines, 2015. Collection method: clinical testing. Allele origin: germline. Affected: yes.
Comment: The variant is observed at an extremely low frequency in the gnomAD v4.1.0 dataset (total allele frequency: 0.010%). Predicted Consequence/Location: Missense variant. The majority of the known disease-causing variants of this gene are variants expected to result in premature termination of the protein. In silico tool predictions suggest damaging effect of the variant on gene or gene product [REVEL: 0.61 (>=0.6, sensitivity 0.68 and specificity 0.92); 3Cnet: 0.24 (> 0.75, sensitivity 0.96 and precision 0.92)]. The same nucleotide change resulting in the same amino acid change has been previously reported as pathogenic/likely pathogenic with strong evidence (ClinVar ID: VCV000030996 /PMID: 22267198). A different missense change at the same codon (p.Arg987Gln) has been reported to be associated with CTC1-related disorder (ClinVar ID: VCV000840435). Therefore, this variant is classified as Likely pathogenic according to the recommendation of ACMG/AMP guideline.

Victorian Clinical Genetics Services, Murdoch Childrens Research Institute
Classification: Pathogenic for Cerebroretinal microangiopathy with calcifications and cysts 1. Last evaluated: 2024-11-26. Review status: criteria provided, single submitter. Criteria: ACMG Guidelines, 2015. Collection method: clinical testing. Allele origin: germline. Affected: yes.
Comment: This variant is classified as Pathogenic. Evidence in support of pathogenic classification: Variant is present in gnomAD <0.01 for a recessive condition (v4: 160 heterozygote(s), 0 homozygote(s)); This variant has strong previous evidence of pathogenicity in unrelated individuals. This variant has been classified as pathogenic three times by clinical laboratories in ClinVar and reported in a compound heterozygous state in at least seven individuals in the literature with Coats plus syndrome (PMIDs: 36177296, 22267198, 22899577, 32141364) . Additional information: Variant is predicted to result in a missense amino acid change from arginine to tryptophan; This variant is heterozygous; This gene is associated with autosomal recessive disease; An alternative amino acid change at the same position has been observed in gnomAD (v4: 28 heterozygote(s), 0 homozygote(s)); Variant is located in the annotated CTC1 domain (DECIPHER); Missense variant with inconclusive in silico prediction and uninformative conservation; Loss of function is a known mechanism of disease in this gene and is associated with cerebroretinal microangiopathy with calcifications and cysts (MIM#612199); Inheritance information for this variant is not currently available in this individual.

Blueprint Genetics
Classification: Pathogenic for CTC1-related disorders. Last evaluated: 2024-08-13. Review status: criteria provided, single submitter. Criteria: ACMG Guidelines, 2015. Collection method: clinical testing. Allele origin: germline. Affected: yes. Observed: 5 variant alleles.

Genome-Nilou Lab
Classification: Pathogenic for Cerebroretinal microangiopathy with calcifications and cysts 1. Last evaluated: 2021-07-15. Review status: criteria provided, single submitter. Criteria: ACMG Guidelines, 2015. Collection method: clinical testing. Allele origin: germline. Affected: no.

Institute of Medical Genetics and Applied Genomics, University Hospital Tübingen
Classification: Pathogenic. Last evaluated: 2020-10-23. Review status: criteria provided, single submitter. Criteria: ACMG Guidelines, 2015. Collection method: clinical testing. Allele origin: germline. Inheritance: Autosomal recessive inheritance. Affected: yes.

OMIM
Classification: Pathogenic for CEREBRORETINAL MICROANGIOPATHY WITH CALCIFICATIONS AND CYSTS 1. Last evaluated: 2012-01-22. Review status: no assertion criteria provided. Collection method: literature only. Allele origin: germline. Not counted in ClinVar's aggregate classification.

Dr. Peter K. Rogan Lab, Western University
No classification provided (evidence only). Condition: Colon adenocarcinoma. Review status: no classification provided. Collection method: in vitro. Allele origin: not applicable. Functional consequence: retained intron. Not counted in ClinVar's aggregate classification.

Literature cited by the submitters: PubMed 29481669 (cited by Variantyx, Inc.); PubMed 24115768 (cited by Variantyx, Inc. and Labcorp Genetics (formerly Invitae), Labcorp); PubMed 22267198 (cited by 6 submitters); PubMed 22899577 (cited by 3 submitters); PubMed 36177296 (cited by Care4Rare-SOLVE, CHEO and Victorian Clinical Genetics Services, Murdoch Childrens Research Institute); PubMed 23869908 (cited by Labcorp Genetics (formerly Invitae), Labcorp); PubMed 32141364 (cited by Victorian Clinical Genetics Services, Murdoch Childrens Research Institute).

NM_025099.6(CTC1):c.2959C>T (p.Arg987Trp)

Gene: CTC1 (CST telomere replication complex component 1; minus strand). Cytogenetic location: 17p13.1.
Variant type: single nucleotide variant.
Coding change: c.2959C>T on transcript NM_025099.6 (MANE Select); coding-DNA position 2959, C replaced by T.
Protein change: p.Arg987Trp; replaces arginine 987 with tryptophan.
Molecular consequence: missense variant. On other transcripts: non-coding transcript variant (1).
Genome position (GRCh38, 1-based): chr17:8,229,943, G>A on the plus strand (C>T on the coding strand, the complement: CTC1 is on the minus strand). VCF-style: chr17-8229943-G-A. GRCh37 (hg19) VCF-style: chr17-8133261-G-A.
Other names: short protein forms R987W.
Identifiers: ClinVar variation 30996 (VCV000030996.20), dbSNP rs202138550, ClinGen allele CA129608.